The following is an entry in ClinVar:

ClinVar aggregate classification (germline): Likely pathogenic (0 of 4 stars; one submission).

Conditions:
NEK8-related disorder. Also called: NEK8-related condition.

Allele frequency attached by ClinVar (database versions not stated): gnomAD exomes 0.00001.
gnomAD v4.1: 10 of 1,614,000 alleles (0.00062%); highest among the groups gnomAD compares: South Asian, 0.011%; no homozygotes.

Submission:

PreventionGenetics, part of Exact Sciences
Classification: Likely pathogenic for NEK8-related condition. Last evaluated: 2024-08-19. Review status: no assertion criteria provided. Collection method: clinical testing. Allele origin: germline.
Comment: The NEK8 c.1568+2T>C variant is predicted to disrupt the GT donor site and interfere with normal splicing. To our knowledge, this variant has not been reported in the literature. This variant is reported in 0.0065% of alleles in individuals of South Asian descent in gnomAD. Variants that disrupt the consensus splice donor site in NEK8 are expected to be pathogenic. This variant is interpreted as likely pathogenic for autosomal recessive NEK8-related conditions.

NM_178170.3(NEK8):c.1568+2T>C

Gene: NEK8 (NIMA related kinase 8; plus strand). Cytogenetic location: 17q11.2.
Variant type: single nucleotide variant.
Coding change: c.1568+2T>C on transcript NM_178170.3 (MANE Select); the canonical splice donor site of the intron after coding-DNA position 1568, T replaced by C.
Molecular consequence: splice donor variant.
Genome position (GRCh38, 1-based): chr17:28,740,615, T>C. VCF-style: chr17-28740615-T-C. GRCh37 (hg19) VCF-style: chr17-27067633-T-C.
Identifiers: ClinVar variation 2631301 (VCV002631301.2), dbSNP rs1403427403, ClinGen allele CA398357393.
Genomic context (GRCh38, chr17:28,740,615, plus strand): 5'-ATCGATTCCTCCATGATCCTCACTGTGCCTGGCCAAGCCCTAGCCTGTGGGAGCAACAGG[T>C]GAATAGATCATCAGGATGACTAACCTGCCCCTGGCTCTCCTTGGCTGCAAGTGCTCCGTC-3'